The following is an entry in ClinVar:

NM_001128228.3(TPRN):c.1168G>T (p.Ala390Ser)

Gene: TPRN (taperin; minus strand). Cytogenetic location: 9q34.3.
Variant type: single nucleotide variant.
Coding change: c.1168G>T on transcript NM_001128228.3 (MANE Select); coding-DNA position 1168, G replaced by T.
Protein change: p.Ala390Ser; replaces alanine 390 with serine.
Molecular consequence: missense variant.
Genome position (GRCh38, 1-based): chr9:137,199,544, C>A on the plus strand (G>T on the coding strand, the complement: TPRN is on the minus strand). VCF-style: chr9-137199544-C-A. GRCh37 (hg19) VCF-style: chr9-140093996-C-A.
Other names: short protein forms A390S.
Identifiers: ClinVar variation 1351195 (VCV001351195.10), dbSNP rs1157099764, ClinGen allele CA375777374.
Genomic context (GRCh38, chr9:137,199,544, plus strand): 5'-CCCGGTCAGCGAGGGCGGTGGCTGTCCTGGGACAGGCCCCCTCCTCGACTGCCCACTGTG[C>A]CTCGACCTCCAGGGGGCTCTTCCCGAGGGCAGGCGCACCATCCCCTCCAGGCACCGGCTG-3'
Protein context (NP_001121700.2, residues 380-400): ALGKSPLEVE[Ala390Ser]QWAVEEGACP

ClinVar aggregate classification (germline): Uncertain significance. Review status: criteria provided, multiple submitters, no conflicts (2 of 4 stars). 3 submissions from 3 submitters: Uncertain significance (3). Last evaluated 2026-10-08.

Conditions:
TPRN-related disorder. Also called: TPRN-related condition.

Allele frequency attached by ClinVar (database versions not stated): gnomAD exomes 0.00001.

Submissions (3):

GeneDx
Classification: Uncertain significance. Last evaluated: 2026-10-08. Review status: criteria provided, single submitter. Criteria: GeneDx Variant Classification Process June 2021. Collection method: clinical testing. Allele origin: germline.
Comment: In silico analysis suggests that this missense variant does not alter protein structure/function; Has not been previously published as pathogenic or benign to our knowledge

PreventionGenetics, part of Exact Sciences
Classification: Uncertain significance for TPRN-related condition. Last evaluated: 2025-12-23. Review status: criteria provided, single submitter. Criteria: ACMG Guidelines, 2015. Collection method: clinical testing. Allele origin: germline.
Comment: The TPRN c.1168G>T variant is predicted to result in the amino acid substitution p.Ala390Ser. To our knowledge, this variant has not been reported in the literature. This variant is reported in 0.0077% of alleles in individuals of Latino descent in gnomAD. At this time, the clinical significance of this variant is uncertain due to the absence of conclusive functional and genetic evidence.

Labcorp Genetics (formerly Invitae), Labcorp
Classification: Uncertain significance. Last evaluated: 2023-03-10. Review status: criteria provided, single submitter. Criteria: Invitae Variant Classification Sherloc (09022015). Collection method: clinical testing. Allele origin: germline.
Comment: This sequence change replaces alanine, which is neutral and non-polar, with serine, which is neutral and polar, at codon 390 of the TPRN protein (p.Ala390Ser). This variant is present in population databases (no rsID available, gnomAD 0.02%). This variant has not been reported in the literature in individuals affected with TPRN-related conditions. ClinVar contains an entry for this variant (Variation ID: 1351195). An algorithm developed to predict the effect of missense changes on protein structure and function (PolyPhen-2) suggests that this variant is likely to be tolerated. In summary, the available evidence is currently insufficient to determine the role of this variant in disease. Therefore, it has been classified as a Variant of Uncertain Significance.